The following is an entry in ClinVar:

NC_000022.10:g.(?_36677325)_(36714371_36715584)dup

Gene: MYH9 (myosin heavy chain 9; minus strand). Cytogenetic location: 22q12.3.
Variant type: Duplication.
Identifiers: ClinVar variation 3063686 (VCV003063686.1).

ClinVar aggregate classification (germline): Uncertain significance (1 of 4 stars; one submission).

Submission:

Women's Health and Genetics/Laboratory Corporation of America, LabCorp
Classification: Uncertain significance. Last evaluated: 2024-01-03. Review status: criteria provided, single submitter. Criteria: LabCorp Variant Classification Summary - May 2015. Collection method: clinical testing. Allele origin: germline.
Comment: Variant summary: The variant involves the duplication of exons 11-41 in the MYH9 gene. A presumed nomenclature of c.(1108+1_1109-1)_(*1389_?)dup has been designated for the purposes of this classification. The exact breakpoint at the 3' end of this variant is unknown, therefore this duplication may extend downstream of the annotated region of the gene. As it duplicates the termination codon, its effect on the encoded protein is unknown. The variant was absent in 21694 control chromosomes (gnomAD Structural Variants dataset). The available data on variant occurrences in the general population are insufficient to allow any conclusion about variant significance. However, a variant allele including duplication of partial exon 11 and extending downstream of the MYH9, involving additional genes, was found at a frequency of 0.0018 in 21694 control chromosomes, predominantly at a frequency of 0.0041 within the African or African-American population in the gnomAD database. To our knowledge, no occurrence of c.(1108+1_1109-1)_(*1389_?)dup in individuals affected with Macrothrombocytopenia And Granulocyte Inclusions With Or Without Nephritis Or Sensorineural Hearing Loss and no experimental evidence demonstrating its impact on protein function have been reported. One submitter has reported clinical-significance assessments for this variant to ClinVar after 2014 and has classified the variant as benign, however without evidence for independent evaluation. Based on the evidence outlined above, the variant was classified as uncertain significance.